The following is an entry in ClinVar:

NM_001035.3(RYR2):c.9254A>G (p.Asn3085Ser)

Gene: RYR2 (ryanodine receptor 2; plus strand). Cytogenetic location: 1q43.
Variant type: single nucleotide variant.
Coding change: c.9254A>G on transcript NM_001035.3 (MANE Select); coding-DNA position 9254, A replaced by G.
Protein change: p.Asn3085Ser; replaces asparagine 3085 with serine.
Molecular consequence: missense variant.
Genome position (GRCh38, 1-based): chr1:237,700,354, A>G. VCF-style: chr1-237700354-A-G. GRCh37 (hg19) VCF-style: chr1-237863654-A-G.
Other names: short protein forms N3085S.
Identifiers: ClinVar variation 3071745 (VCV003071745.1), dbSNP rs2547365208, ClinGen allele CA345405935.

ClinVar aggregate classification (germline): Uncertain significance (1 of 4 stars; one submission).

Conditions:
Catecholaminergic polymorphic ventricular tachycardia (CVPT). Also called: Catecholamine-induced polymorphic ventricular tachycardia. Identifiers: Orphanet 3286, MedGen C5574922, MONDO:0017990.

Submission:

All of Us Research Program, National Institutes of Health
Classification: Uncertain significance for Catecholaminergic polymorphic ventricular tachycardia. Last evaluated: 2023-06-28. Review status: criteria provided, single submitter. Criteria: ACMG Guidelines, 2015. Collection method: clinical testing. Allele origin: germline. Inheritance: Autosomal dominant inheritance. Observed: 1 variant allele, 1 heterozygote.
Comment: This study involves interpretation of variants in research participants for the purpose of population health screening. Participant phenotype was not available at the time of variant classification. Additional details can be found in publication PMID: 35346344, PMCID: PMC8962531